The following is an entry in ClinVar:

ClinVar aggregate classification (germline): Uncertain significance (1 of 4 stars; one submission).

Conditions:
Developmental and epileptic encephalopathy, 23 (DEE23). Also called: Epileptic encephalopathy, early infantile, 23. Identifiers: Orphanet 411986, MedGen C4014492, MONDO:0014371, OMIM 615859.

Submission:

Labcorp Genetics (formerly Invitae), Labcorp
Classification: Uncertain significance for Developmental and epileptic encephalopathy, 23. Last evaluated: 2022-09-01. Review status: criteria provided, single submitter. Criteria: Invitae Variant Classification Sherloc (09022015). Collection method: clinical testing. Allele origin: germline.
Comment: This sequence change replaces leucine, which is neutral and non-polar, with phenylalanine, which is neutral and non-polar, at codon 238 of the DOCK7 protein (p.Leu238Phe). In summary, the available evidence is currently insufficient to determine the role of this variant in disease. Therefore, it has been classified as a Variant of Uncertain Significance. Algorithms developed to predict the effect of missense changes on protein structure and function are either unavailable or do not agree on the potential impact of this missense change (SIFT: "Tolerated"; PolyPhen-2: "Possibly Damaging"; Align-GVGD: "Class C0"). ClinVar contains an entry for this variant (Variation ID: 945275). This variant has not been reported in the literature in individuals affected with DOCK7-related conditions. This variant is not present in population databases (gnomAD no frequency).

NM_001367561.1(DOCK7):c.714G>T (p.Leu238Phe)

Gene: DOCK7 (dedicator of cytokinesis 7; minus strand). Cytogenetic location: 1p31.3.
Variant type: single nucleotide variant.
Coding change: c.714G>T on transcript NM_001367561.1 (MANE Select); coding-DNA position 714, G replaced by T.
Protein change: p.Leu238Phe; replaces leucine 238 with phenylalanine.
Molecular consequence: missense variant.
Genome position (GRCh38, 1-based): chr1:62,648,124, C>A on the plus strand (G>T on the coding strand, the complement: DOCK7 is on the minus strand). VCF-style: chr1-62648124-C-A. GRCh37 (hg19) VCF-style: chr1-63113795-C-A.
Other names: c.714G>T, p.Leu238Phe (NM_001271999.2, NM_001272000.2, NM_001272001.2 and 3 more transcripts); short protein forms L238F.
Identifiers: ClinVar variation 945275 (VCV000945275.10), dbSNP rs1656899292, ClinGen allele CA340626941.